The following is an entry in ClinVar:

NM_006073.4(TRDN):c.551-4T>C

Gene: TRDN (triadin; minus strand). Cytogenetic location: 6q22.31.
Variant type: single nucleotide variant.
Coding change: c.551-4T>C on transcript NM_006073.4 (MANE Select); 4 bases into the intron before coding-DNA position 551, T replaced by C.
Molecular consequence: intron variant.
Genome position (GRCh38, 1-based): chr6:123,512,366, A>G on the plus strand (T>C on the coding strand, the complement: TRDN is on the minus strand). VCF-style: chr6-123512366-A-G. GRCh37 (hg19) VCF-style: chr6-123833511-A-G.
Other names: c.551-4T>C (NM_001251987.2, NM_001256020.2, NM_001256021.2 and 1 more transcripts).
Identifiers: ClinVar variation 511976 (VCV000511976.6), dbSNP rs1413167708, ClinGen allele CA570335564.

ClinVar aggregate classification (germline): Likely benign. Review status: criteria provided, multiple submitters, no conflicts (2 of 4 stars). 3 submissions from 3 submitters: Likely benign (3). Last evaluated 2025-11-18.

Conditions:
Catecholaminergic polymorphic ventricular tachycardia 1. Also called: VENTRICULAR TACHYCARDIA, CATECHOLAMINERGIC POLYMORPHIC, 1, WITH OR WITHOUT ATRIAL DYSFUNCTION AND/OR DILATED CARDIOMYOPATHY; RYR2-Related Catecholaminergic Polymorphic Ventricular Tachycardia; VENTRICULAR TACHYCARDIA, STRESS-INDUCED POLYMORPHIC 1. Identifiers: Orphanet 3286, MedGen C1631597, MONDO:0011484, OMIM 604772.
Cardiovascular phenotype. Identifiers: MedGen CN230736.

Allele frequency attached by ClinVar (database versions not stated): gnomAD exomes below 0.00001 and 0.00002; TOPMed 0.00002.
gnomAD v4.1: 2 of 1,487,514 alleles (0.00013%); highest among the groups gnomAD compares: Admixed American, 0.0038%; no homozygotes.

Submissions (3):

Labcorp Genetics (formerly Invitae), Labcorp
Classification: Likely benign for Catecholaminergic polymorphic ventricular tachycardia 1. Last evaluated: 2025-11-18. Review status: criteria provided, single submitter. Criteria: Invitae Variant Classification Sherloc (09022015). Collection method: clinical testing. Allele origin: germline.

Ambry Genetics
Classification: Likely benign for Cardiovascular phenotype. Last evaluated: 2025-01-06. Review status: criteria provided, single submitter. Criteria: Ambry Variant Classification Scheme 2023. Collection method: clinical testing. Allele origin: germline.

GeneDx
Classification: Likely benign. Last evaluated: 2017-09-12. Review status: criteria provided, single submitter. Criteria: GeneDx Variant Classification (06012015). Collection method: clinical testing. Allele origin: germline. Affected: yes.
Comment: This variant is considered likely benign or benign based on one or more of the following criteria: it is a conservative change, it occurs at a poorly conserved position in the protein, it is predicted to be benign by multiple in silico algorithms, and/or has population frequency not consistent with disease.